The following is an entry in ClinVar:

ClinVar aggregate classification (germline): Uncertain significance. Review status: criteria provided, multiple submitters, no conflicts (2 of 4 stars). 2 submissions from 2 submitters: Uncertain significance (2). Last evaluated 2024-04-05.

Conditions:
Ullrich congenital muscular dystrophy 2 (UCMD2). Identifiers: Orphanet 75840, MedGen C4225314, MONDO:0014654, OMIM 616470.
Bethlem myopathy 2 (BTHLM2). Identifiers: Orphanet 536516, Orphanet 610, MedGen C4225313, MONDO:0034022, OMIM 616471.

Allele frequency attached by ClinVar (database versions not stated): TOPMed below 0.00001.

Submissions (2):

Labcorp Genetics (formerly Invitae), Labcorp
Classification: Uncertain significance for Bethlem myopathy 2; Ullrich congenital muscular dystrophy 2. Last evaluated: 2024-04-05. Review status: criteria provided, single submitter. Criteria: Invitae Variant Classification Sherloc (09022015). Collection method: clinical testing. Allele origin: germline.
Comment: This sequence change replaces valine, which is neutral and non-polar, with alanine, which is neutral and non-polar, at codon 2431 of the COL12A1 protein (p.Val2431Ala). This variant is not present in population databases (gnomAD no frequency). This variant has not been reported in the literature in individuals affected with COL12A1-related conditions. ClinVar contains an entry for this variant (Variation ID: 1024140). Advanced modeling of protein sequence and biophysical properties (such as structural, functional, and spatial information, amino acid conservation, physicochemical variation, residue mobility, and thermodynamic stability) performed at Invitae indicates that this missense variant is not expected to disrupt COL12A1 protein function with a negative predictive value of 80%. In summary, the available evidence is currently insufficient to determine the role of this variant in disease. Therefore, it has been classified as a Variant of Uncertain Significance.

Revvity Omics, Revvity
Classification: Uncertain significance. Last evaluated: 2020-01-03. Review status: criteria provided, single submitter. Criteria: ACMG Guidelines, 2015. Collection method: clinical testing. Allele origin: germline.

NM_004370.6(COL12A1):c.7292T>C (p.Val2431Ala)

Genes: COL12A1 (collagen type XII alpha 1 chain; minus strand), LOC126859712 (MED14-independent group 3 enhancer GRCh37_chr6:75828643-75829842; plus strand). Cytogenetic location: 6q13.
Variant type: single nucleotide variant.
Coding change: c.7292T>C on transcript NM_004370.6 (MANE Select); coding-DNA position 7292, T replaced by C.
Protein change: p.Val2431Ala; replaces valine 2431 with alanine.
Molecular consequence: missense variant.
Genome position (GRCh38, 1-based): chr6:75,119,105, A>G on the plus strand (T>C on the coding strand, the complement: COL12A1 is on the minus strand). VCF-style: chr6-75119105-A-G. GRCh37 (hg19) VCF-style: chr6-75828821-A-G.
Other names: c.3800T>C, p.Val1267Ala (NM_080645.3); c.7292T>C (NM_004370.5); short protein forms V1267A, V2431A.
Identifiers: ClinVar variation 1024140 (VCV001024140.11), dbSNP rs1769227311, ClinGen allele CA364747664.
Genomic context (GRCh38, chr6:75,119,105, plus strand): 5'-GACTGCTGGATGACCAAAGCCGCCTTCTTGACCTCATCCTGGGACCGACCGTCCGTGACC[A>G]CAACCAACACCTTAGGGACATTCTTCCTCATGCCGCTCTCCCAAGTCAAGACTTTCTCCT-3'
Protein context (NP_004361.3, residues 2421-2441): MRKNVPKVLV[Val2431Ala]VTDGRSQDEV